The following is an entry in ClinVar:

NM_173560.4(RFX6):c.2290dup (p.Gln764fs)

Gene: RFX6 (regulatory factor X6; plus strand). Cytogenetic location: 6q22.1.
Variant type: Duplication.
Coding change: c.2290dup on transcript NM_173560.4 (MANE Select); coding-DNA position 2290, one base duplicated (C; older notation c.2290dupC).
Protein change: p.Gln764fs; shifts the reading frame from glutamine 764.
Molecular consequence: frameshift variant.
Genome position (GRCh38, 1-based): chr6:116,927,431, C duplicated; the last of 3 consecutive C bases (chr6:116,927,429-116,927,431); duplicating any one gives the same sequence. VCF-style (leftmost placement, unchanged base first): chr6-116927428-G-GC. GRCh37 (hg19) VCF-style: chr6-117248591-G-GC.
Other names: short protein forms Q764fs.
Identifiers: ClinVar variation 1031716 (VCV001031716.1), dbSNP rs1775769921, ClinGen allele CA1657452025.
Genomic context (GRCh38, chr6:116,927,428, plus strand): 5'-AGCTGTGCGGGGTCTCCATATAACTCCCGGCCACCGTCTAGCTATGGCCCATCCCTGCAA[G>GC]CCCAGGATTCACACAATATGCAGTTTTTAAATACAGGAAGCTTCAATTTCTTGAGCAACA-3'

ClinVar aggregate classification (germline): Likely pathogenic (1 of 4 stars; one submission).

Conditions:
Hypoplastic pancreas-intestinal atresia-hypoplastic gallbalder syndrome. Also called: DIABETES, NEONATAL, WITH PANCREATIC HYPOPLASIA, INTESTINAL ATRESIA, AND GALLBLADDER APLASIA OR HYPOPLASIA; Mitchell-Riley syndrome. Identifiers: Orphanet 293864, MedGen C2748662, MONDO:0017400, OMIM 615710.

Submission:

Baylor Genetics
Classification: Likely pathogenic for Hypoplastic pancreas-intestinal atresia-hypoplastic gallbalder syndrome. Last evaluated: 2018-05-08. Review status: criteria provided, single submitter. Criteria: ACMG Guidelines, 2015. Collection method: clinical testing. Allele origin: maternal. Affected: yes.
Comment: This variant was determined to be likely pathogenic according to ACMG Guidelines, 2015 [PMID:25741868].